The following is an entry in ClinVar:

NM_024306.5(FA2H):c.589C>G (p.Arg197Gly)

Gene: FA2H (fatty acid 2-hydroxylase; minus strand). Cytogenetic location: 16q23.1.
Variant type: single nucleotide variant.
Coding change: c.589C>G on transcript NM_024306.5 (MANE Select); coding-DNA position 589, C replaced by G.
Protein change: p.Arg197Gly; replaces arginine 197 with glycine.
Molecular consequence: missense variant.
Genome position (GRCh38, 1-based): chr16:74,726,249, G>C on the plus strand (C>G on the coding strand, the complement: FA2H is on the minus strand). VCF-style: chr16-74726249-G-C. GRCh37 (hg19) VCF-style: chr16-74760147-G-C.
Other names: short protein forms R197G.
Identifiers: ClinVar variation 1389661 (VCV001389661.8), dbSNP rs1463651673, ClinGen allele CA396769791.
Genomic context (GRCh38, chr16:74,726,249, plus strand): 5'-ATCCTCAGGGCAAGTCAGGAAAGAAACTGGCATTACCTGTTGTAAATGACGTGAAGAGTC[G>C]GACGTTGCCCTGGGCAAAGGTTCGGTAGTAGGACCAGCTGAGATACAGCACCAGGGGCAC-3'
Protein context (NP_077282.3, residues 187-207): YYRTFAQGNV[Arg197Gly]LFTSFTTEYT

ClinVar aggregate classification (germline): Uncertain significance (1 of 4 stars; one submission).

Conditions:
Spastic paraplegia. Identifiers: MedGen C0037772, HP:0001258.

gnomAD v4.1: 3 of 1,613,514 alleles (0.00019%); highest among the groups gnomAD compares: Non-Finnish European, 0.00025%; no homozygotes.

Submission:

Labcorp Genetics (formerly Invitae), Labcorp
Classification: Uncertain significance for Spastic paraplegia. Last evaluated: 2021-12-02. Review status: criteria provided, single submitter. Criteria: Invitae Variant Classification Sherloc (09022015). Collection method: clinical testing. Allele origin: germline.
Comment: In summary, the available evidence is currently insufficient to determine the role of this variant in disease. Therefore, it has been classified as a Variant of Uncertain Significance. Advanced modeling of protein sequence and biophysical properties (such as structural, functional, and spatial information, amino acid conservation, physicochemical variation, residue mobility, and thermodynamic stability) performed at Invitae indicates that this missense variant is expected to disrupt FA2H protein function. This variant has not been reported in the literature in individuals affected with FA2H-related conditions. This variant is not present in population databases (gnomAD no frequency). This sequence change replaces arginine, which is basic and polar, with glycine, which is neutral and non-polar, at codon 197 of the FA2H protein (p.Arg197Gly).